The following is an entry in ClinVar:

ClinVar aggregate classification (germline): Benign/Likely benign. Review status: criteria provided, multiple submitters, no conflicts (2 of 4 stars). 2 submissions from 2 submitters: Benign (1); Likely benign (1). Last evaluated 2023-12-01.

Allele frequency attached by ClinVar (database versions not stated): 1000 Genomes Project 0.00040; 1000 Genomes Project 30x 0.00047; gnomAD exomes 0.00088; gnomAD 0.00096; ExAC 0.00098; TOPMed 0.00108; ESP Exome Variant Server 0.00115.
gnomAD v4.1: 2,268 of 1,613,072 alleles (0.14%); highest among the groups gnomAD compares: Non-Finnish European, 0.18%; 2 homozygotes.

Submissions (2):

CeGaT Center for Human Genetics Tuebingen
Classification: Likely benign. Last evaluated: 2023-12-01. Review status: criteria provided, single submitter. Criteria: CeGaT Center For Human Genetics Tuebingen Variant Classification Criteria Version 2. Collection method: clinical testing. Allele origin: germline. Affected: yes. Observed: 3 variant alleles.
Comment: PIK3CG: BP4, BP7

Labcorp Genetics (formerly Invitae), Labcorp
Classification: Benign. Last evaluated: 2018-07-19. Review status: criteria provided, single submitter. Criteria: Invitae Variant Classification Sherloc (09022015). Collection method: clinical testing. Allele origin: germline.

NM_001282426.2(PIK3CG):c.390G>C (p.Arg130=)

Gene: PIK3CG (phosphatidylinositol-4,5-bisphosphate 3-kinase catalytic subunit gamma; plus strand). Cytogenetic location: 7q22.3.
Variant type: single nucleotide variant.
Coding change: c.390G>C on transcript NM_001282426.2 (MANE Select); coding-DNA position 390, G replaced by C.
Protein change: p.Arg130=; no amino-acid change (arginine 130 retained).
Molecular consequence: synonymous variant.
Genome position (GRCh38, 1-based): chr7:106,867,951, G>C. VCF-style: chr7-106867951-G-C. GRCh37 (hg19) VCF-style: chr7-106508396-G-C.
Other names: c.390G>C, p.Arg130= (NM_001282427.2, NM_002649.3).
Identifiers: ClinVar variation 733484 (VCV000733484.27), dbSNP rs145945868, ClinGen allele CA4429147.